The following is an entry in ClinVar:

NM_000513.2(OPN1MW):c.521C>T (p.Ala174Val)

Gene: OPN1MW (opsin 1, medium wave sensitive; plus strand). Cytogenetic location: Xq28.
Variant type: single nucleotide variant.
Coding change: c.521C>T on transcript NM_000513.2 (MANE Select); coding-DNA position 521, C replaced by T.
Protein change: p.Ala174Val; replaces alanine 174 with valine.
Molecular consequence: missense variant.
Genome position (GRCh38, 1-based): chrX:154,190,165, C>T. VCF-style: chrX-154190165-C-T. GRCh37 (hg19) VCF-style: chrX-153455654-C-T.
Other names: short protein forms A174V.
Identifiers: ClinVar variation 1174925 (VCV001174925.29), dbSNP rs372044027, ClinGen allele CA10558977.

ClinVar aggregate classification (germline): Benign/Likely benign. Review status: criteria provided, multiple submitters, no conflicts (2 of 4 stars). 5 submissions from 5 submitters: Benign (1); Likely benign (1). 3 of the submissions do not count toward it. Last evaluated 2025-01-01.

Allele frequency attached by ClinVar (database versions not stated): gnomAD exomes 0.02377; ExAC 0.04878.

Submissions (5):

CeGaT Center for Human Genetics Tuebingen
Classification: Likely benign. Last evaluated: 2025-01-01. Review status: criteria provided, single submitter. Criteria: CeGaT Center For Human Genetics Tuebingen Variant Classification Criteria Version 2. Collection method: clinical testing. Allele origin: germline. Affected: yes. Observed: 2 variant alleles.
Comment: OPN1MW: PP2, BP4, BS2

Breakthrough Genomics
Classification: Benign. Review status: criteria provided, single submitter. Criteria: ACMG Guidelines, 2015. Collection method: not provided. Allele origin: germline. Inheritance: X-linked inheritance. Affected: yes.

Clinical Genetics DNA and cytogenetics Diagnostics Lab, Erasmus MC, Erasmus Medical Center
Classification: Benign. Review status: no assertion criteria provided. Collection method: clinical testing. Allele origin: germline. Affected: yes. Study: VKGL Data-share Consensus. Not counted in ClinVar's aggregate classification.

Clinical Genetics, Academic Medical Center
Classification: Benign. Review status: no assertion criteria provided. Collection method: clinical testing. Allele origin: germline. Affected: yes. Study: VKGL Data-share Consensus. Not counted in ClinVar's aggregate classification.

Diagnostic Laboratory, Department of Genetics, University Medical Center Groningen
Classification: Benign. Review status: no assertion criteria provided. Collection method: clinical testing. Allele origin: germline. Affected: yes. Study: VKGL Data-share Consensus. Not counted in ClinVar's aggregate classification.